The following is an entry in ClinVar:

ClinVar aggregate classification (germline): Uncertain significance (1 of 4 stars; one submission).

Conditions:
Chédiak-Higashi syndrome (CHS). Also called: Chediak-Higashi Syndrome. Identifiers: Orphanet 167, MedGen C0007965, MONDO:0008963, OMIM 214500.

Allele frequency attached by ClinVar (database versions not stated): TOPMed below 0.00001; gnomAD 0.00001; ExAC 0.00002; gnomAD exomes 0.00002.
gnomAD v4.1: 31 of 1,613,962 alleles (0.0019%); highest among the groups gnomAD compares: South Asian, 0.019%; no homozygotes.

Submission:

Labcorp Genetics (formerly Invitae), Labcorp
Classification: Uncertain significance for Chédiak-Higashi syndrome. Last evaluated: 2025-01-13. Review status: criteria provided, single submitter. Criteria: Invitae Variant Classification Sherloc (09022015). Collection method: clinical testing. Allele origin: germline.
Comment: This sequence change replaces glycine, which is neutral and non-polar, with glutamic acid, which is acidic and polar, at codon 682 of the LYST protein (p.Gly682Glu). This variant is present in population databases (rs749416238, gnomAD 0.01%). This variant has not been reported in the literature in individuals affected with LYST-related conditions. ClinVar contains an entry for this variant (Variation ID: 1945708). Invitae Evidence Modeling of protein sequence and biophysical properties (such as structural, functional, and spatial information, amino acid conservation, physicochemical variation, residue mobility, and thermodynamic stability) indicates that this missense variant is not expected to disrupt LYST protein function with a negative predictive value of 80%. In summary, the available evidence is currently insufficient to determine the role of this variant in disease. Therefore, it has been classified as a Variant of Uncertain Significance.

NM_000081.4(LYST):c.2045G>A (p.Gly682Glu)

Gene: LYST (lysosomal trafficking regulator; minus strand). Cytogenetic location: 1q42.3.
Variant type: single nucleotide variant.
Coding change: c.2045G>A on transcript NM_000081.4 (MANE Select); coding-DNA position 2045, G replaced by A.
Protein change: p.Gly682Glu; replaces glycine 682 with glutamic acid.
Molecular consequence: missense variant.
Genome position (GRCh38, 1-based): chr1:235,808,773, C>T on the plus strand (G>A on the coding strand, the complement: LYST is on the minus strand). VCF-style: chr1-235808773-C-T. GRCh37 (hg19) VCF-style: chr1-235972073-C-T.
Other names: c.2045G>A, p.Gly682Glu (NM_001301365.1); short protein forms G682E.
Identifiers: ClinVar variation 1945708 (VCV001945708.3), dbSNP rs749416238, ClinGen allele CA1467360.